The following is an entry in ClinVar:

ClinVar aggregate classification (germline): Uncertain significance. Review status: criteria provided, multiple submitters, no conflicts (2 of 4 stars). 2 submissions from 2 submitters: Uncertain significance (2). Last evaluated 2025-01-05.

Submissions (2):

Ambry Genetics
Classification: Uncertain significance. Last evaluated: 2025-01-05. Review status: criteria provided, single submitter. Criteria: Ambry Variant Classification Scheme 2023. Collection method: clinical testing. Allele origin: germline.
Comment: The p.S21I variant (also known as c.62G>T), located in coding exon 1 of the KIF1B gene, results from a G to T substitution at nucleotide position 62. The serine at codon 21 is replaced by isoleucine, an amino acid with dissimilar properties. This amino acid position is conserved. In addition, the in silico prediction for this alteration is inconclusive. Based on the available evidence, the clinical significance of this variant remains unclear.

CeGaT Center for Human Genetics Tuebingen
Classification: Uncertain significance. Last evaluated: 2021-12-01. Review status: criteria provided, single submitter. Criteria: CeGaT Center For Human Genetics Tuebingen Variant Classification Criteria Version 2. Collection method: clinical testing. Allele origin: germline. Affected: yes. Observed: 1 variant allele.

NM_001365951.3(KIF1B):c.62G>T (p.Ser21Ile)

Genes: KIF1B (kinesin family member 1B; plus strand), LOC129388446 (MPRA-validated peak64 silencer; plus strand). Cytogenetic location: 1p36.22.
Variant type: single nucleotide variant.
Coding change: c.62G>T on transcript NM_001365951.3 (MANE Select); coding-DNA position 62, G replaced by T.
Protein change: p.Ser21Ile; replaces serine 21 with isoleucine.
Molecular consequence: missense variant.
Genome position (GRCh38, 1-based): chr1:10,232,390, G>T. VCF-style: chr1-10232390-G-T. GRCh37 (hg19) VCF-style: chr1-10292448-G-T.
Other names: c.62G>T, p.Ser21Ile (NM_001365952.1, NM_001365953.1, NM_015074.3 and 1 more transcripts); short protein forms S21I.
Identifiers: ClinVar variation 1334949 (VCV001334949.36), dbSNP rs774652777, ClinGen allele CA338316135.